The following is an entry in ClinVar:

NM_002862.4(PYGB):c.2493C>T (p.Ser831=)

Genes: ABHD12 (abhydrolase domain containing 12, lysophospholipase; minus strand), PYGB (glycogen phosphorylase B; plus strand). Cytogenetic location: 20p11.21.
Variant type: single nucleotide variant.
Coding change: c.2493C>T on transcript NM_002862.4 (MANE Select); coding-DNA position 2493, C replaced by T.
Protein change: p.Ser831=; no amino-acid change (serine 831 retained).
Molecular consequence: synonymous variant. On other transcripts: intron variant (1).
Genome position (GRCh38, 1-based): chr20:25,296,483, C>T. VCF-style: chr20-25296483-C-T. GRCh37 (hg19) VCF-style: chr20-25277119-C-T.
Other names: c.1158-1453G>A (NM_015600.5).
Identifiers: ClinVar variation 3387993 (VCV003387993.14).
Genomic context (GRCh38, chr20:25,296,483, plus strand): 5'-GTTCTCCAGTGACCGGACCATCACGGAGTATGCACGGGAGATCTGGGGTGTGGAGCCCTC[C>T]GACCTGCAGATCCCGCCCCCCAACATCCCCCGGGACTAGGCACACCCTGCCTTGGCGGGA-3'
Protein context (NP_002853.2, residues 821-841): YAREIWGVEP[Ser831=]DLQIPPPNIP

ClinVar aggregate classification (germline): Likely benign (1 of 4 stars; one submission).

gnomAD v4.1: 3,410 of 1,613,806 alleles (0.21%); highest among the groups gnomAD compares: Non-Finnish European, 0.27%; 8 homozygotes.

Submission:

CeGaT Center for Human Genetics Tuebingen
Classification: Likely benign. Last evaluated: 2026-06-01. Review status: criteria provided, single submitter. Criteria: CeGaT Center For Human Genetics Tuebingen Variant Classification Criteria Version 2. Collection method: clinical testing. Allele origin: germline. Affected: yes. Observed: 7 variant alleles.
Comment: PYGB: BP4, BP7